The following is an entry in ClinVar:

NM_001348484.3(RIMS2):c.4151C>T (p.Thr1384Ile)

Gene: RIMS2 (regulating synaptic membrane exocytosis 2; plus strand). Cytogenetic location: 8q22.3.
Variant type: single nucleotide variant.
Coding change: c.4151C>T on transcript NM_001348484.3 (MANE Select); coding-DNA position 4151, C replaced by T.
Protein change: p.Thr1384Ile; replaces threonine 1384 with isoleucine.
Molecular consequence: missense variant. On other transcripts: non-coding transcript variant (2).
Genome position (GRCh38, 1-based): chr8:104,244,958, C>T. VCF-style: chr8-104244958-C-T. GRCh37 (hg19) VCF-style: chr8-105257186-C-T.
Other names: c.3377C>T, p.Thr1126Ile (NM_001100117.3); c.2894C>T, p.Thr965Ile (NM_001282881.2); c.185C>T, p.Thr62Ile (NM_001282882.2); c.3149C>T, p.Thr1050Ile (NM_001348485.2); c.3548C>T, p.Thr1183Ile (NM_001348486.2); c.3407C>T, p.Thr1136Ile (NM_001348487.2); c.3461C>T, p.Thr1154Ile (NM_001348488.2); c.3977C>T, p.Thr1326Ile (NM_001348489.2); and 23 more; short protein forms T1101I, T1135I, T1326I, T1335I, T62I, T1110I, T1114I, T1126I.
Identifiers: ClinVar variation 3154381 (VCV003154381.3), dbSNP rs145791616, ClinGen allele CA4837684.
Genomic context (GRCh38, chr8:104,244,958, plus strand): 5'-TTGTTTCTATCTCTGCAGAAGCAGGAGGTAAAAAACTAAGGAGCACTGTCCAAAGAAGTA[C>T]AGAAACAGGCCTGGCCGTGGAAATGAGGAACTGGATGACTCGACAGGCAAGCCGAGAGTC-3'
Protein context (NP_001335413.1, residues 1374-1394): KKLRSTVQRS[Thr1384Ile]ETGLAVEMRN

ClinVar aggregate classification (germline): Uncertain significance. Review status: criteria provided, multiple submitters, no conflicts (2 of 4 stars). 2 submissions from 2 submitters: Uncertain significance (2). Last evaluated 2025-07-07.

Allele frequency attached by ClinVar (database versions not stated): ExAC 0.00011; 1000 Genomes Project 0.00020; ESP Exome Variant Server 0.00033; 1000 Genomes Project 30x 0.00016.
gnomAD v4.1: 117 of 1,613,790 alleles (0.0073%); highest among the groups gnomAD compares: African/African-American, 0.13%; no homozygotes.

Submissions (2):

Dasa
Classification: Uncertain significance. Last evaluated: 2025-07-07. Review status: criteria provided, single submitter. Criteria: DASA Assertion Criteria. Collection method: clinical testing. Allele origin: germline.
Comment: NM_001348484.3(RIMS2):c.4151C>T (p.Thr1384Ile) is a missense variant that results in the substitution of threonine with isoleucine. This variant is rare in population databases. Computational prediction algorithms are consistent with a benign effect. The currently available literature and clinical evidence are not sufficient to establish a definitive association between this variant and the reported condition. Therefore, this variant is classified as a variant of uncertain significance.

Ambry Genetics
Classification: Uncertain significance. Last evaluated: 2023-12-22. Review status: criteria provided, single submitter. Criteria: Ambry Variant Classification Scheme 2023. Collection method: clinical testing. Allele origin: germline.